The following is an entry in ClinVar:

NM_002900.3(RBP3):c.2107C>T (p.His703Tyr)

Gene: RBP3 (retinol binding protein 3; plus strand). Cytogenetic location: 10q11.22.
Variant type: single nucleotide variant.
Coding change: c.2107C>T on transcript NM_002900.3 (MANE Select); coding-DNA position 2107, C replaced by T.
Protein change: p.His703Tyr; replaces histidine 703 with tyrosine.
Molecular consequence: missense variant.
Genome position (GRCh38, 1-based): chr10:47,350,591, C>T. VCF-style: chr10-47350591-C-T. GRCh37 (hg19) VCF-style: chr10-48388771-G-A.
Other names: c.2107C>T (NM_002900.2); short protein forms H703Y.
Identifiers: ClinVar variation 1038433 (VCV001038433.5), dbSNP rs909554547, ClinGen allele CA206464346.

ClinVar aggregate classification (germline): Uncertain significance. Review status: criteria provided, multiple submitters, no conflicts (2 of 4 stars). 2 submissions from 2 submitters: Uncertain significance (2). Last evaluated 2025-06-16.

Conditions:
Inborn genetic diseases. Identifiers: MedGen C0950123, MeSH D030342.

Allele frequency attached by ClinVar (database versions not stated): gnomAD 0.00002 and 0.00003; gnomAD exomes 0.00002 and 0.00008; TOPMed 0.00005.

Submissions (2):

Ambry Genetics
Classification: Uncertain significance for Inborn genetic diseases. Last evaluated: 2025-06-16. Review status: criteria provided, single submitter. Criteria: Ambry Variant Classification Scheme 2023. Collection method: clinical testing. Allele origin: germline.

Labcorp Genetics (formerly Invitae), Labcorp
Classification: Uncertain significance. Last evaluated: 2021-12-15. Review status: criteria provided, single submitter. Criteria: Invitae Variant Classification Sherloc (09022015). Collection method: clinical testing. Allele origin: germline.
Comment: This sequence change replaces histidine, which is basic and polar, with tyrosine, which is neutral and polar, at codon 703 of the RBP3 protein (p.His703Tyr). The frequency data for this variant in the population databases is considered unreliable, as metrics indicate poor data quality at this position in the gnomAD database. This variant has not been reported in the literature in individuals affected with RBP3-related conditions. ClinVar contains an entry for this variant (Variation ID: 1038433). Algorithms developed to predict the effect of missense changes on protein structure and function (SIFT, PolyPhen-2, Align-GVGD) all suggest that this variant is likely to be tolerated. In summary, the available evidence is currently insufficient to determine the role of this variant in disease. Therefore, it has been classified as a Variant of Uncertain Significance.